The following is an entry in ClinVar:

ClinVar aggregate classification (germline): Uncertain significance. Review status: criteria provided, multiple submitters, no conflicts (2 of 4 stars). 2 submissions from 2 submitters: Uncertain significance (2). Last evaluated 2023-08-21.

Conditions:
Autosomal dominant limb-girdle muscular dystrophy type 1G (LGMDD3). Also called: Limb-girdle muscular dystrophy, type 1G; MUSCULAR DYSTROPHY, LIMB-GIRDLE, AUTOSOMAL DOMINANT 3. Identifiers: Orphanet 55596, MedGen C1836765, MONDO:0012193, OMIM 609115.

Submissions (2):

Labcorp Genetics (formerly Invitae), Labcorp
Classification: Uncertain significance for Autosomal dominant limb-girdle muscular dystrophy type 1G. Last evaluated: 2023-08-21. Review status: criteria provided, single submitter. Criteria: Invitae Variant Classification Sherloc (09022015). Collection method: clinical testing. Allele origin: germline.
Comment: In summary, the available evidence is currently insufficient to determine the role of this variant in disease. Therefore, it has been classified as a Variant of Uncertain Significance. This variant has not been reported in the literature in individuals affected with HNRNPDL-related conditions. This variant is present in population databases (no rsID available, gnomAD 0.06%). This variant, c.101_109dup, results in the insertion of 3 amino acid(s) of the HNRNPDL protein (p.Pro34_Arg36dup), but otherwise preserves the integrity of the reading frame.

Juno Genomics, Hangzhou Juno Genomics, Inc
Classification: Uncertain significance for Autosomal dominant limb-girdle muscular dystrophy type 1G. Review status: criteria provided, single submitter. Criteria: ACMG Guidelines, 2015. Collection method: clinical testing. Allele origin: germline. Affected: yes.
Comment: Absent from controls (or at extremely low frequency if recessive) in Genome Aggregation Database, Exome Sequencing Project, 1000 Genomes Project, or Exome Aggregation Consortium.;Protein length changes due to in-frame deletions/insertions in a non-repeat region or stop-loss variants.

NM_031372.4(HNRNPDL):c.101_109dup (p.Arg36_Gln37insProProArg)

Gene: HNRNPDL (heterogeneous nuclear ribonucleoprotein D like; minus strand). Cytogenetic location: 4q21.22.
Variant type: Duplication.
Coding change: c.101_109dup on transcript NM_031372.4 (MANE Select); coding-DNA positions 101 to 109, 9 bases duplicated (CGCCGCGGC; older notation c.101_109dupCGCCGCGGC).
Protein change: p.Arg36_Gln37insProProArg.
Molecular consequence: inframe insertion. On other transcripts: non-coding transcript variant (1).
Genome position (GRCh38, 1-based): chr4:82,429,582-82,429,590, GCCGCGGCG duplicated on the plus strand (CGCCGCGGC on the coding strand, the reverse complement: HNRNPDL is on the minus strand); duplicating any 9 consecutive bases within chr4:82,429,582-82,429,598 gives the same sequence; the c. name uses the placement nearest the transcript's 3' end. VCF-style (leftmost placement, unchanged base first): chr4-82429581-T-TGCCGCGGCG. GRCh37 (hg19) VCF-style: chr4-83350734-T-TGCCGCGGCG.
Other names: c.101_109dup, p.Arg36_Gln37insProProArg (NM_001207000.1).
Identifiers: ClinVar variation 2763255 (VCV002763255.4), dbSNP rs759911561, ClinGen allele CA552777294.